The following is an entry in ClinVar:

NM_024675.4(PALB2):c.1999_2001dup (p.Glu667dup)

Gene: PALB2 (partner and localizer of BRCA2; minus strand). Cytogenetic location: 16p12.2.
Variant type: Duplication.
Coding change: c.1999_2001dup on transcript NM_024675.4 (MANE Select); coding-DNA positions 1999 to 2001, 3 bases duplicated (GAA; older notation c.1999_2001dupGAA).
Protein change: p.Glu667dup; duplicates glutamic acid 667.
Molecular consequence: inframe insertion.
Genome position (GRCh38, 1-based): chr16:23,630,153-23,630,155, TTC duplicated on the plus strand (GAA on the coding strand, the reverse complement: PALB2 is on the minus strand); duplicating any 3 consecutive bases within chr16:23,630,153-23,630,156 gives the same sequence; the c. name uses the placement nearest the transcript's 3' end. VCF-style (leftmost placement, unchanged base first): chr16-23630152-T-TTTC. GRCh37 (hg19) VCF-style: chr16-23641473-T-TTTC.
Other names: c.1999_2001dupGAA (NM_024675.3, NM_024675.4).
Identifiers: ClinVar variation 484175 (VCV000484175.16), dbSNP rs1555460530, ClinGen allele CA658658411.

ClinVar aggregate classification (germline): Uncertain significance. Review status: criteria provided, multiple submitters, no conflicts (2 of 4 stars). 3 submissions from 3 submitters: Uncertain significance (3). Last evaluated 2025-03-20.

Conditions:
Familial cancer of breast. Also called: BREAST CANCER, FAMILIAL; Hereditary breast cancer; hereditary breast carcinoma. Identifiers: Orphanet 227535, MedGen C0346153, MONDO:0016419, OMIM 114480. Disease mechanism: loss of function.
Hereditary cancer-predisposing syndrome. Also called: Neoplastic Syndromes, Hereditary; Tumor predisposition; Hereditary Cancer Syndrome; Hereditary neoplastic syndrome. Identifiers: Orphanet 140162, MedGen C0027672, MeSH D009386, MONDO:0015356.

Submissions (3):

Institute for Biomarker Research, Medical Diagnostic Laboratories, L.L.C.
Classification: Uncertain significance for Hereditary cancer-predisposing syndrome. Last evaluated: 2025-03-20. Review status: criteria provided, single submitter. Criteria: ACMG Guidelines, 2015. Collection method: clinical testing. Allele origin: germline.
Comment: The in-frame insertion NM_024675.4(PALB2):c.1999_2001dupGAA (p.Glu667dup) has not been reported previously as a pathogenic variant nor as a benign variant, to our knowledge. However, as this is an in-frame insertion, it is not expected to result in either a truncated protein product or loss of protein through nonsense-mediated mRNA decay. The p.Glu667dup variant is not predicted to introduce a novel splice site by any splice site algorithm. The nucleotide c.2002 in PALB2 is not conserved according to a GERP++ and PhyloP analysis of 100 vertebrates. For these reasons, this variant has been classified as Uncertain Significance.

Labcorp Genetics (formerly Invitae), Labcorp
Classification: Uncertain significance for Familial cancer of breast. Last evaluated: 2020-01-30. Review status: criteria provided, single submitter. Criteria: Invitae Variant Classification Sherloc (09022015). Collection method: clinical testing. Allele origin: germline.
Comment: In summary, the available evidence is currently insufficient to determine the role of this variant in disease. Therefore, it has been classified as a Variant of Uncertain Significance. Experimental studies and prediction algorithms are not available or were not evaluated, and the functional significance of this variant is currently unknown. This variant has not been reported in the literature in individuals with PALB2-related conditions. ClinVar contains an entry for this variant (Variation ID: 484175). This variant is not present in population databases (ExAC no frequency). This variant, c.1999_2001dup, results in the insertion of 1 amino acid(s) to the PALB2 protein (p.Glu667dup), but otherwise preserves the integrity of the reading frame.

Ambry Genetics
Classification: Uncertain significance for Hereditary cancer-predisposing syndrome. Last evaluated: 2016-02-09. Review status: criteria provided, single submitter. Criteria: Ambry Variant Classification Scheme 2023. Collection method: clinical testing. Allele origin: germline.
Comment: The c.1999_2001dupGAA variant (also known as p.E667dup), located in coding exon 5 of the PALB2 gene, results from an in-frame duplication of GAA between nucleotide positions 1999 and 2001. This results in the duplication of an extra residue between codons 667 and 668. This variant was not reported in population based cohorts in the following databases: Database of Single Nucleotide Polymorphisms (dbSNP), NHLBI Exome Sequencing Project (ESP), and 1000 Genomes Project. In the ESP, this variant was not observed in 6497 samples (12994 alleles) with coverage at this position. To date, this alteration has been detected with an allele frequency of approximately 0.001% (greater than 130000 alleles tested) in our clinical cohort. This amino acid position is well conserved in available vertebrate species. Since supporting evidence is limited at this time, the clinical significance of this alteration remains unclear.